The following is an entry in ClinVar:

ClinVar aggregate classification (germline): Uncertain significance. Review status: criteria provided, multiple submitters, no conflicts (2 of 4 stars). 3 submissions from 3 submitters: Uncertain significance (3). Last evaluated 2024-10-21.

Conditions:
Ornithine carbamoyltransferase deficiency (OTCD). Also called: ORNITHINE TRANSCARBAMYLASE DEFICIENCY; ORNITHINE TRANSCARBAMYLASE DEFICIENCY, HYPERAMMONEMIA DUE TO; Ornithine Carbamoyltransferase Deficiency Disease; OTC DEFICIENCY. Identifiers: Orphanet 664, MedGen C0268542, MONDO:0010703, OMIM 311250.

Allele frequency attached by ClinVar (database versions not stated): gnomAD below 0.00001 and 0.00001; ExAC 0.00001; gnomAD exomes 0.00001; TOPMed 0.00002.
gnomAD v4.1: 6 of 1,209,198 alleles (0.0005%); highest among the groups gnomAD compares: South Asian, 0.0088%; no homozygotes.

Submissions (3):

Labcorp Genetics (formerly Invitae), Labcorp
Classification: Uncertain significance for Ornithine carbamoyltransferase deficiency. Last evaluated: 2024-10-21. Review status: criteria provided, single submitter. Criteria: Invitae Variant Classification Sherloc (09022015). Collection method: clinical testing. Allele origin: germline.
Comment: This sequence change replaces lysine, which is basic and polar, with glutamic acid, which is acidic and polar, at codon 292 of the OTC protein (p.Lys292Glu). The frequency data for this variant in the population databases is considered unreliable, as metrics indicate poor data quality at this position in the gnomAD database. This variant has not been reported in the literature in individuals affected with OTC-related conditions. ClinVar contains an entry for this variant (Variation ID: 872287). An algorithm developed to predict the effect of missense changes on protein structure and function outputs the following: PolyPhen-2: "Benign". The glutamic acid amino acid residue is found in multiple mammalian species, which suggests that this missense change does not adversely affect protein function. In summary, the available evidence is currently insufficient to determine the role of this variant in disease. Therefore, it has been classified as a Variant of Uncertain Significance.

Neuberg Centre For Genomic Medicine, NCGM
Classification: Uncertain significance for Ornithine carbamoyltransferase deficiency. Last evaluated: 2023-06-22. Review status: criteria provided, single submitter. Criteria: ACMG Guidelines, 2015. Collection method: clinical testing. Allele origin: germline. Inheritance: X-linked inheritance. Affected: yes.
Comment: The missense c.874A>G (p.Lys292Glu) variant in the OTC gene has not been reported previously as a pathogenic variant nor as a benign variant, to our knowledge. This variant is reported with the allele frequency (0.0005%) in the gnomAD Exomes. This variant has been reported to the ClinVar database as Uncertain Significance. However, no details are available for independent assessment. The amino acid Lysine at position 292 is changed to a Glutamic acid changing protein sequence and it might alter its composition and physico-chemical properties. Computational evidence (Polyphen - Benign, SIFT - Tolerated and MutationTaster - Disease causing) predicts conflicting evidence on protein structure and function for this variant. The amino acid Lysine in OTC is predicted as conserved by GERP++ and PhyloP across 100 vertebrates. For these reasons, this variant has been classified as Uncertain Significance.

CeGaT Center for Human Genetics Tuebingen
Classification: Uncertain significance. Last evaluated: 2019-09-01. Review status: criteria provided, single submitter. Criteria: CeGaT Center For Human Genetics Tuebingen Variant Classification Criteria Version 2. Collection method: clinical testing. Allele origin: germline. Affected: yes. Observed: 1 variant allele.

NM_000531.6(OTC):c.874A>G (p.Lys292Glu)

Gene: OTC (ornithine transcarbamylase; plus strand). Cytogenetic location: Xp11.4.
Variant type: single nucleotide variant.
Coding change: c.874A>G on transcript NM_000531.6 (MANE Select); coding-DNA position 874, A replaced by G.
Protein change: p.Lys292Glu; replaces lysine 292 with glutamic acid.
Molecular consequence: missense variant.
Genome position (GRCh38, 1-based): chrX:38,411,868, A>G. VCF-style: chrX-38411868-A-G. GRCh37 (hg19) VCF-style: chrX-38271121-A-G.
Other names: short protein forms K292E.
Identifiers: ClinVar variation 872287 (VCV000872287.44), dbSNP rs759069042, ClinGen allele CA10385957.
Genomic context (GRCh38, chrX:38,411,868, plus strand): 5'-AATATGACTGCCACATATAATAGTCAAAAAGTGGTCTTATCCCCATCTCTTTAGACTGCT[A>G]AAGTTGCTGCCTCTGACTGGACATTTTTACACTGCTTGCCCAGAAAGCCAGAAGAAGTGG-3'
Protein context (NP_000522.3, residues 282-302): QGYQVTMKTA[Lys292Glu]VAASDWTFLH